The following is an entry in ClinVar:

NM_182643.3(DLC1):c.1654G>A (p.Glu552Lys)

Gene: DLC1 (DLC1 Rho GTPase activating protein; minus strand). Cytogenetic location: 8p22.
Variant type: single nucleotide variant.
Coding change: c.1654G>A on transcript NM_182643.3 (MANE Select); coding-DNA position 1654, G replaced by A.
Protein change: p.Glu552Lys; replaces glutamic acid 552 with lysine.
Molecular consequence: missense variant.
Genome position (GRCh38, 1-based): chr8:13,100,683, C>T on the plus strand (G>A on the coding strand, the complement: DLC1 is on the minus strand). VCF-style: chr8-13100683-C-T. GRCh37 (hg19) VCF-style: chr8-12958192-C-T.
Other names: c.121G>A, p.Glu41Lys (NM_001164271.2, NM_001348082.2, NM_001348083.1 and 6 more transcripts); c.445G>A, p.Glu149Lys (NM_001316668.2, NM_001413129.1); c.1654G>A, p.Glu552Lys (NM_001348081.2, NM_001413124.1); c.436G>A, p.Glu146Lys (NM_001413130.1); c.94G>A, p.Glu32Lys (NM_001413131.1, NM_001413137.1); c.580G>A, p.Glu194Lys (NM_001413132.1); c.343G>A, p.Glu115Lys (NM_001413135.1, NM_001413136.1, NM_001413139.1 and 1 more transcripts); c.478G>A, p.Glu160Lys (NM_001413140.1); short protein forms E146K, E160K, E32K, E115K, E149K, E41K, E194K, E552K.
Identifiers: ClinVar variation 4697519 (VCV004697519.1).

ClinVar aggregate classification (germline): Uncertain significance (1 of 4 stars; one submission).

gnomAD v4.1: 2 of 1,613,738 alleles (0.00012%); highest among the groups gnomAD compares: Admixed American, 0.0033%; no homozygotes.

Submission:

Labcorp Genetics (formerly Invitae), Labcorp
Classification: Uncertain significance. Last evaluated: 2025-02-27. Review status: criteria provided, single submitter. Criteria: Invitae Variant Classification Sherloc (09022015). Collection method: clinical testing. Allele origin: germline.
Comment: This sequence change replaces glutamic acid, which is acidic and polar, with lysine, which is basic and polar, at codon 552 of the DLC1 protein (p.Glu552Lys). This variant is present in population databases (no rsID available, gnomAD 0.003%). This variant has not been reported in the literature in individuals affected with DLC1-related conditions. An algorithm developed to predict the effect of missense changes on protein structure and function (PolyPhen-2) suggests that this variant is likely to be disruptive. In summary, the available evidence is currently insufficient to determine the role of this variant in disease. Therefore, it has been classified as a Variant of Uncertain Significance.